The following is an entry in ClinVar:

ClinVar aggregate classification (germline): Uncertain significance. Review status: criteria provided, multiple submitters, no conflicts (2 of 4 stars). 3 submissions from 3 submitters: Uncertain significance (3). Last evaluated 2023-04-11.

Conditions:
Geroderma osteodysplastica (GO). Also called: WALT DISNEY DWARFISM; Geroderma osteodysplasticum. Identifiers: Orphanet 2078, MedGen C0432255, MONDO:0009271, OMIM 231070.

Allele frequency attached by ClinVar (database versions not stated): ExAC 0.00002; gnomAD exomes 0.00004 and 0.00007; TOPMed 0.00004; gnomAD 0.00007.
gnomAD v4.1: 113 of 1,614,108 alleles (0.007%); highest among the groups gnomAD compares: Non-Finnish European, 0.0089%; no homozygotes.

Submissions (3):

Genome-Nilou Lab
Classification: Uncertain significance for Geroderma osteodysplastica. Last evaluated: 2023-04-11. Review status: criteria provided, single submitter. Criteria: ACMG Guidelines, 2015. Collection method: clinical testing. Allele origin: germline. Affected: no.

Labcorp Genetics (formerly Invitae), Labcorp
Classification: Uncertain significance. Last evaluated: 2022-04-05. Review status: criteria provided, single submitter. Criteria: Invitae Variant Classification Sherloc (09022015). Collection method: clinical testing. Allele origin: germline.
Comment: This sequence change replaces glutamic acid, which is acidic and polar, with glycine, which is neutral and non-polar, at codon 88 of the GORAB protein (p.Glu88Gly). This variant is present in population databases (rs200333798, gnomAD 0.007%). This variant has not been reported in the literature in individuals affected with GORAB-related conditions. ClinVar contains an entry for this variant (Variation ID: 293651). Algorithms developed to predict the effect of missense changes on protein structure and function output the following: SIFT: "Deleterious"; PolyPhen-2: "Benign"; Align-GVGD: "Class C0". The glycine amino acid residue is found in multiple mammalian species, which suggests that this missense change does not adversely affect protein function. In summary, the available evidence is currently insufficient to determine the role of this variant in disease. Therefore, it has been classified as a Variant of Uncertain Significance.

Illumina Laboratory Services, Illumina
Classification: Uncertain significance for Geroderma osteodysplastica. Last evaluated: 2018-01-13. Review status: criteria provided, single submitter. Criteria: ICSL Variant Classification Criteria 13 December 2019. Collection method: clinical testing. Allele origin: germline.

NM_152281.3(GORAB):c.188A>G (p.Glu63Gly)

Gene: GORAB (golgin, RAB6 interacting; plus strand). Cytogenetic location: 1q24.2.
Variant type: single nucleotide variant.
Coding change: c.188A>G on transcript NM_152281.3 (MANE Select); coding-DNA position 188, A replaced by G.
Protein change: p.Glu63Gly; replaces glutamic acid 63 with glycine.
Molecular consequence: missense variant. On other transcripts: 5 prime UTR variant (1), non-coding transcript variant (1).
Genome position (GRCh38, 1-based): chr1:170,539,336, A>G. VCF-style: chr1-170539336-A-G. GRCh37 (hg19) VCF-style: chr1-170508477-A-G.
Other names: c.188A>G, p.Glu63Gly (NM_001146039.2); c.-278A>G (NM_001320252.2); short protein forms E88G, E63G.
Identifiers: ClinVar variation 293651 (VCV000293651.10), dbSNP rs200333798, ClinGen allele CA1239058.